The following is an entry in ClinVar:

ClinVar aggregate classification (germline): Benign/Likely benign. Review status: criteria provided, multiple submitters, no conflicts (2 of 4 stars). 4 submissions from 4 submitters: Benign (1); Likely benign (3). Last evaluated 2024-07-19.

Conditions:
Microphthalmia, syndromic 9. Also called: PULMONARY AGENESIS, MICROPHTHALMIA, AND DIAPHRAGMATIC DEFECT; SPEAR SYNDROME; ANOPHTHALMIA, CLINICAL, WITH MILD FACIAL DYSMORPHISM AND VARIABLE MALFORMATIONS OF THE LUNG, HEART, AND DIAPHRAGM; ANOPHTHALMIA/MICROPHTHALMIA AND PULMONARY HYPOPLASIA; Matthew-Wood syndrome. Identifiers: Orphanet 2470, MedGen C1832661, MONDO:0011010, OMIM 601186.

Allele frequency attached by ClinVar (database versions not stated): gnomAD exomes 0.00048; ExAC 0.00064; 1000 Genomes Project 30x 0.00109; ESP Exome Variant Server 0.00139; 1000 Genomes Project 0.00140; gnomAD 0.00160; TOPMed 0.00162.
gnomAD v4.1: 619 of 1,614,078 alleles (0.038%); highest among the groups gnomAD compares: African/African-American, 0.48%; 1 homozygote.

Submissions (4):

Blueprint Genetics
Classification: Likely benign. Last evaluated: 2024-07-19. Review status: criteria provided, single submitter. Criteria: ACMG Guidelines, 2015. Collection method: clinical testing. Allele origin: germline.

Labcorp Genetics (formerly Invitae), Labcorp
Classification: Benign for Microphthalmia, syndromic 9. Last evaluated: 2024-01-18. Review status: criteria provided, single submitter. Criteria: Invitae Variant Classification Sherloc (09022015). Collection method: clinical testing. Allele origin: germline.

CeGaT Center for Human Genetics Tuebingen
Classification: Likely benign. Last evaluated: 2023-03-01. Review status: criteria provided, single submitter. Criteria: CeGaT Center For Human Genetics Tuebingen Variant Classification Criteria Version 2. Collection method: clinical testing. Allele origin: germline. Affected: yes. Observed: 1 variant allele.
Comment: STRA6: BP4, BP7

GeneDx
Classification: Likely benign. Last evaluated: 2020-09-15. Review status: criteria provided, single submitter. Criteria: GeneDx Variant Classification Process June 2021. Collection method: clinical testing. Allele origin: germline. Affected: yes.

NM_022369.4(STRA6):c.1026C>T (p.Ile342=)

Gene: STRA6 (signaling receptor and transporter of retinol STRA6; minus strand). Cytogenetic location: 15q24.1.
Variant type: single nucleotide variant.
Coding change: c.1026C>T on transcript NM_022369.4 (MANE Select); coding-DNA position 1026, C replaced by T.
Protein change: p.Ile342=; no amino-acid change (isoleucine 342 retained).
Molecular consequence: synonymous variant.
Genome position (GRCh38, 1-based): chr15:74,189,179, G>A on the plus strand (C>T on the coding strand, the complement: STRA6 is on the minus strand). VCF-style: chr15-74189179-G-A. GRCh37 (hg19) VCF-style: chr15-74481520-G-A.
Other names: c.1026C>T, p.Ile342= (NM_001142617.2, NM_001142618.2); c.999C>T, p.Ile333= (NM_001142619.2); c.1137C>T, p.Ile379= (NM_001199040.2); c.1071C>T, p.Ile357= (NM_001199041.2); c.1143C>T, p.Ile381= (NM_001199042.2).
Identifiers: ClinVar variation 772409 (VCV000772409.37), dbSNP rs79382990, ClinGen allele CA7654722.